The following is an entry in ClinVar:

NM_173598.6(KSR2):c.2527G>C (p.Asp843His)

Gene: KSR2 (kinase suppressor of ras 2; minus strand). Cytogenetic location: 12q24.22.
Variant type: single nucleotide variant.
Coding change: c.2527G>C on transcript NM_173598.6 (MANE Select); coding-DNA position 2527, G replaced by C.
Protein change: p.Asp843His; replaces aspartic acid 843 with histidine.
Molecular consequence: missense variant.
Genome position (GRCh38, 1-based): chr12:117,476,519, C>G on the plus strand (G>C on the coding strand, the complement: KSR2 is on the minus strand). VCF-style: chr12-117476519-C-G. GRCh37 (hg19) VCF-style: chr12-117914324-C-G.
Other names: short protein forms D843H.
Identifiers: ClinVar variation 3352738 (VCV003352738.1).
Genomic context (GRCh38, chr12:117,476,519, plus strand): 5'-CTTACCCAAGGGCAAAGACGTCAGAGTGCTTGGAGAAGGGGAGCTTATCCTCCTCTGTGT[C>G]GGGGGACAGCTGGCGGATGATCTCTGGTGCCAGGTGGCATAGCCAGCCATTCTGGATGCG-3'
Protein context (NP_775869.4, residues 833-853): APEIIRQLSP[Asp843His]TEEDKLPFSK

ClinVar aggregate classification (germline): Uncertain significance (0 of 4 stars; one submission).

Conditions:
KSR2-related disorder. Also called: KSR2-related condition.

gnomAD v4.1: 5 of 1,608,708 alleles (0.00031%); highest among the groups gnomAD compares: Non-Finnish European, 0.00042%; no homozygotes.

Submission:

PreventionGenetics, part of Exact Sciences
Classification: Uncertain significance for KSR2-related condition. Last evaluated: 2023-10-18. Review status: no assertion criteria provided. Collection method: clinical testing. Allele origin: germline.
Comment: The KSR2 c.2440G>C variant is predicted to result in the amino acid substitution p.Asp814His. To our knowledge, this variant has not been reported in the literature. This variant is reported in 0.00092% of alleles in individuals of European (Non-Finnish) descent in gnomAD. At this time, the clinical significance of this variant is uncertain due to the absence of conclusive functional and genetic evidence.